The following is an entry in ClinVar:

ClinVar aggregate classification (germline): Likely pathogenic (1 of 4 stars; one submission).

Conditions:
Hereditary cancer-predisposing syndrome. Also called: Hereditary neoplastic syndrome; Tumor predisposition; Neoplastic Syndromes, Hereditary; Hereditary Cancer Syndrome. Identifiers: Orphanet 140162, MedGen C0027672, MeSH D009386, MONDO:0015356.

Submission:

Sema4
Classification: Likely pathogenic for Hereditary cancer-predisposing syndrome. Last evaluated: 2021-04-05. Review status: criteria provided, single submitter. Criteria: Sema4 Curation Guidelines. Collection method: curation. Allele origin: germline.
Comment: The CDH1 c.1427delA (p.D476VfsX5) variant has not been reported in the literature to our knowledge. This variant causes a frameshift at amino acid 476 that results in premature termination 5 amino acids downstream. At this location, this is predicted to cause nonsense-mediated decay and result in an absent protein (loss of function). Loss-of-function variants in CDH1 are known to be pathogenic (PMID: 20373070). This variant is not reported in ClinVar or the Genome Aggregation Database (PMID: 32461654). Based on the current evidence available, this variant is interpreted as likely pathogenic.

Literature cited by the submitters: PubMed 20373070.

NM_004360.5(CDH1):c.1427del (p.Asp476fs)

Gene: CDH1 (cadherin 1; plus strand). Cytogenetic location: 16q22.1.
Variant type: Deletion.
Coding change: c.1427del on transcript NM_004360.5 (MANE Select); coding-DNA position 1427, one base deleted (A; older notation c.1427delA).
Protein change: p.Asp476fs; shifts the reading frame from aspartic acid 476.
Molecular consequence: frameshift variant. On other transcripts: 5 prime UTR variant (2).
Genome position (GRCh38, 1-based): chr16:68,815,621, A deleted. VCF-style (leftmost placement, unchanged base first): chr16-68815620-GA-G. GRCh37 (hg19) VCF-style: chr16-68849523-GA-G.
Other names: c.1244del, p.Asp415fs (NM_001317184.2); c.-122del (NM_001317185.2); c.-393del (NM_001317186.2); short protein forms D415fs, D476fs.
Identifiers: ClinVar variation 1692795 (VCV001692795.1), dbSNP rs2152134893, ClinGen allele CA2573152588.